The following is an entry in ClinVar:

ClinVar aggregate classification (germline): Uncertain significance (1 of 4 stars; one submission).

Submission:

Center for Genomic Medicine, Rigshospitalet, Copenhagen University Hospital
Classification: Uncertain significance. Last evaluated: 2025-12-29. Review status: criteria provided, single submitter. Criteria: ACMG Guidelines, 2015. Collection method: clinical testing. Allele origin: germline.
Comment: Classification criteria: PP3_Moderate, PM2_Supporting, PP3

NM_000388.4(CASR):c.280G>C (p.Gly94Arg)

Gene: CASR (calcium sensing receptor; plus strand). Cytogenetic location: 3q21.1.
Variant type: single nucleotide variant.
Coding change: c.280G>C on transcript NM_000388.4 (MANE Select); coding-DNA position 280, G replaced by C.
Protein change: p.Gly94Arg; replaces glycine 94 with arginine.
Molecular consequence: missense variant.
Genome position (GRCh38, 1-based): chr3:122,257,175, G>C. VCF-style: chr3-122257175-G-C. GRCh37 (hg19) VCF-style: chr3-121976022-G-C.
Other names: c.280G>C, p.Gly94Arg (NM_001178065.2); short protein forms G94R.
Identifiers: ClinVar variation 4539427 (VCV004539427.1).